The following is an entry in ClinVar:

ClinVar aggregate classification (germline): Uncertain significance (1 of 4 stars; one submission).

Submission:

Ambry Genetics
Classification: Uncertain significance. Last evaluated: 2025-10-25. Review status: criteria provided, single submitter. Criteria: Ambry Variant Classification Scheme 2023. Collection method: clinical testing. Allele origin: germline.
Comment: The p.Q122H variant (also known as c.366G>T), located in coding exon 5 of the FAM175A gene, results from a G to T substitution at nucleotide position 366. The glutamine at codon 122 is replaced by histidine, an amino acid with highly similar properties. This amino acid position is conserved. In addition, this alteration is predicted to be tolerated by in silico analysis. Based on the available evidence, the clinical significance of this variant remains unclear.

NM_139076.3(ABRAXAS1):c.366G>T (p.Gln122His)

Gene: ABRAXAS1 (abraxas 1, BRCA1 A complex subunit; minus strand). Cytogenetic location: 4q21.23.
Variant type: single nucleotide variant.
Coding change: c.366G>T on transcript NM_139076.3 (MANE Select); coding-DNA position 366, G replaced by T.
Protein change: p.Gln122His; replaces glutamine 122 with histidine.
Molecular consequence: missense variant.
Genome position (GRCh38, 1-based): chr4:83,470,313, C>A on the plus strand (G>T on the coding strand, the complement: ABRAXAS1 is on the minus strand). VCF-style: chr4-83470313-C-A. GRCh37 (hg19) VCF-style: chr4-84391466-C-A.
Other names: c.39G>T, p.Gln13His (NM_001345962.2); short protein forms Q13H, Q122H.
Identifiers: ClinVar variation 4636471 (VCV004636471.1).
Genomic context (GRCh38, chr4:83,470,313, plus strand): 5'-TTCTGTTATTATACTTGGTGTTAATAGCAGAAAAACAAGGTCTTGGTTTGAAAAATGCTC[C>A]TGCAAGTTTTTGTGAAGCAGCCTCTCTCTAAACGTCATGATCTGATCTGAATGACGACGG-3'
Protein context (NP_620775.2, residues 112-132): FRERLLHKNL[Gln122His]EHFSNQDLVF